The following is an entry in ClinVar:

NM_052867.4(NALCN):c.4551C>A (p.Tyr1517Ter)

Gene: NALCN (sodium leak channel, non-selective; minus strand). Cytogenetic location: 13q32.3.
Variant type: single nucleotide variant.
Coding change: c.4551C>A on transcript NM_052867.4 (MANE Select); coding-DNA position 4551, C replaced by A.
Protein change: p.Tyr1517Ter; replaces tyrosine 1517 with a stop codon.
Molecular consequence: nonsense.
Genome position (GRCh38, 1-based): chr13:101,065,457, G>T on the plus strand (C>A on the coding strand, the complement: NALCN is on the minus strand). VCF-style: chr13-101065457-G-T. GRCh37 (hg19) VCF-style: chr13-101717809-G-T.
Other names: c.4551C>A, p.Tyr1517Ter (NM_001350749.2); c.4464C>A, p.Tyr1488Ter (NM_001350750.2, NM_001350751.2); c.4638C>A, p.Tyr1546Ter (NM_001350748.2); short protein forms Y1488*, Y1517*, Y1546*.
Identifiers: ClinVar variation 4756116 (VCV004756116.1).
Genomic context (GRCh38, chr13:101,065,457, plus strand): 5'-CTTGTACCTCAGGACATCATGGAAGGTGACGTCGCCGCCATTGTGGAGCCTCTCCATTTC[G>T]TAGCACATGTGCTTAAACAGGAGCTTGTCCTTGTCCAGGTCCACCTCCAGCCTCCCACGC-3'

ClinVar aggregate classification (germline): Likely pathogenic (1 of 4 stars; one submission).

Conditions:
Hypotonia, infantile, with psychomotor retardation and characteristic facies 1 (INNFD). Identifiers: Orphanet 371364, Orphanet 700336, MedGen C3809454, MONDO:0024567, OMIM 615419.

Submission:

Dr. Oladnabi Research Group, Golestan University of Medical Sciences
Classification: Likely pathogenic for Hypotonia, infantile, with psychomotor retardation and characteristic facies 1. Last evaluated: 2026-02-11. Review status: criteria provided, single submitter. Criteria: ACMG Guidelines, 2015. Collection method: research. Allele origin: germline. Inheritance: Autosomal recessive inheritance. Affected: yes. Observed: 1 homozygote.
Comment: The novel NALCN variant (c.4551C>A; p.Tyr1517* ) introduces a premature stop codon at position 1517, resulting in truncation of the C-terminal portion of the sodium leak channel protein. As NALCN plays a key role in regulating neuronal excitability and resting membrane potential, loss of its functional domains is expected to significantly impair channel activity. Because loss of function is a well-established disease mechanism for NALCN (OMIM: 615419), this nonsense variant meets the PVS1 (Very Strong) ACMG criterion. The variant is extremely rare or absent in population databases such as gnomAD, fulfilling PM2 (Moderate). Accordingly, this variant is classified as likely pathogenic under ACMG guidelines.

Literature cited by the submitters: DOI 10.3389/fncel.2014.00132.